The following is an entry in ClinVar:

NM_006306.4(SMC1A):c.286del (p.Arg96fs)

Gene: SMC1A (structural maintenance of chromosomes 1A; minus strand). Cytogenetic location: Xp11.22.
Variant type: Deletion.
Coding change: c.286del on transcript NM_006306.4 (MANE Select); coding-DNA position 286, one base deleted (C; older notation c.286delC).
Protein change: p.Arg96fs; shifts the reading frame from arginine 96.
Molecular consequence: frameshift variant.
Genome position (GRCh38, 1-based): chrX:53,414,993, G deleted on the plus strand (C on the coding strand, the reverse complement: SMC1A is on the minus strand); the first of 3 consecutive G bases (chrX:53,414,993-53,414,995); deleting any one gives the same sequence. VCF-style (leftmost placement, unchanged base first): chrX-53414992-CG-C. GRCh37 (hg19) VCF-style: chrX-53441941-CG-C.
Other names: c.220del, p.Arg74fs (NM_001281463.1); short protein forms R96fs, R74fs.
Identifiers: ClinVar variation 3661940 (VCV003661940.2).

ClinVar aggregate classification (germline): Pathogenic (1 of 4 stars; one submission).

Conditions:
Congenital muscular hypertrophy-cerebral syndrome (CDLS2). Also called: SMC1A-Related Cornelia de Lange Syndrome; Cornelia de Lange syndrome 2. Identifiers: Orphanet 199, MedGen C1802395, MONDO:0010370, OMIM 300590.

Submission:

Labcorp Genetics (formerly Invitae), Labcorp
Classification: Pathogenic for Congenital muscular hypertrophy-cerebral syndrome. Last evaluated: 2024-08-11. Review status: criteria provided, single submitter. Criteria: Invitae Variant Classification Sherloc (09022015). Collection method: clinical testing. Allele origin: germline.
Comment: This sequence change creates a premature translational stop signal (p.Arg96Valfs*4) in the SMC1A gene. It is expected to result in an absent or disrupted protein product. Loss-of-function variants in SMC1A are known to be pathogenic (PMID: 26386245, 27334371, 28166369, 28548707, 31334757). This variant is not present in population databases (gnomAD no frequency). This variant has not been reported in the literature in individuals affected with SMC1A-related conditions. For these reasons, this variant has been classified as Pathogenic.

Literature cited by the submitters: PubMed 26386245; PubMed 27334371; PubMed 28166369; PubMed 28548707; PubMed 31334757.